The following is an entry in ClinVar:

NM_001364905.1(LRBA):c.2612T>C (p.Leu871Pro)

Gene: LRBA (LPS responsive beige-like anchor protein; minus strand). Cytogenetic location: 4q31.3.
Variant type: single nucleotide variant.
Coding change: c.2612T>C on transcript NM_001364905.1 (MANE Select); coding-DNA position 2612, T replaced by C.
Protein change: p.Leu871Pro; replaces leucine 871 with proline.
Molecular consequence: missense variant.
Genome position (GRCh38, 1-based): chr4:150,867,825, A>G on the plus strand (T>C on the coding strand, the complement: LRBA is on the minus strand). VCF-style: chr4-150867825-A-G. GRCh37 (hg19) VCF-style: chr4-151788977-A-G.
Other names: c.2612T>C, p.Leu871Pro (NM_001199282.3, NM_001367550.1, NM_001440430.1 and 2 more transcripts); short protein forms L871P.
Identifiers: ClinVar variation 4699706 (VCV004699706.1).

ClinVar aggregate classification (germline): Uncertain significance (1 of 4 stars; one submission).

Conditions:
Combined immunodeficiency due to LRBA deficiency. Also called: Common variable immunodeficiency 8, with autoimmunity. Identifiers: Orphanet 445018, MedGen C3553512, MONDO:0013863, OMIM 614700.

Submission:

Labcorp Genetics (formerly Invitae), Labcorp
Classification: Uncertain significance for Combined immunodeficiency due to LRBA deficiency. Last evaluated: 2025-11-01. Review status: criteria provided, single submitter. Criteria: Invitae Variant Classification Sherloc (09022015). Collection method: clinical testing. Allele origin: germline.
Comment: This sequence change replaces leucine, which is neutral and non-polar, with proline, which is neutral and non-polar, at codon 871 of the LRBA protein (p.Leu871Pro). This variant is not present in population databases (gnomAD no frequency). This variant has not been reported in the literature in individuals affected with LRBA-related conditions. Invitae Evidence Modeling of protein sequence and biophysical properties (such as structural, functional, and spatial information, amino acid conservation, physicochemical variation, residue mobility, and thermodynamic stability) indicates that this missense variant is not expected to disrupt LRBA protein function with a negative predictive value of 80%. In summary, the available evidence is currently insufficient to determine the role of this variant in disease. Therefore, it has been classified as a Variant of Uncertain Significance.